The following is an entry in ClinVar:

ClinVar aggregate classification (germline): Uncertain significance (1 of 4 stars; one submission).

gnomAD v4.1: 20 of 1,613,110 alleles (0.0012%); highest among the groups gnomAD compares: Non-Finnish European, 0.0017%; no homozygotes.

Submission:

Athena Diagnostics
Classification: Uncertain significance. Last evaluated: 2025-01-21. Review status: criteria provided, single submitter. Criteria: Athena Diagnostics Criteria. Collection method: clinical testing. Allele origin: unknown.
Comment: Available data are insufficient to determine the clinical significance of the variant at this time. The frequency of this variant in the general population is uninformative in assessment of its pathogenicity. Polyphen and MutationTaster predict this amino acid change may be benign.

NM_018109.4(MTPAP):c.1391G>A (p.Arg464Lys)

Gene: MTPAP (mitochondrial poly(A) polymerase; minus strand). Cytogenetic location: 10p11.23.
Variant type: single nucleotide variant.
Coding change: c.1391G>A on transcript NM_018109.4 (MANE Select); coding-DNA position 1391, G replaced by A.
Protein change: p.Arg464Lys; replaces arginine 464 with lysine.
Molecular consequence: missense variant.
Genome position (GRCh38, 1-based): chr10:30,313,967, C>T on the plus strand (G>A on the coding strand, the complement: MTPAP is on the minus strand). VCF-style: chr10-30313967-C-T. GRCh37 (hg19) VCF-style: chr10-30602896-C-T.
Other names: short protein forms R464K.
Identifiers: ClinVar variation 4682248 (VCV004682248.1).